The following is an entry in ClinVar:

ClinVar aggregate classification (germline): Conflicting classifications of pathogenicity. Review status: criteria provided, conflicting classifications (1 of 4 stars). 2 submissions from 2 submitters: Uncertain significance (1); Likely benign (1). Last evaluated 2026-07-01.

Conditions:
DPAGT1-related disorder. Also called: DPAGT1-related condition.
DPAGT1-congenital disorder of glycosylation. Also called: CONGENITAL DISORDER OF GLYCOSYLATION, TYPE Ij; CDG Ij; DPAGT1-CDG. Identifiers: Orphanet 86309, MedGen C2931004, MONDO:0011964, OMIM 608093.
Congenital myasthenic syndrome 13 (CMS13). Also called: Myasthenic syndrome, congenital, with tubular aggregates 2; Myasthenic syndrome, congenital, 13, with tubular aggregates. Identifiers: Orphanet 353327, Orphanet 590, MedGen C3553645, MONDO:0013883, OMIM 614750.

Allele frequency attached by ClinVar (database versions not stated): TOPMed below 0.00001; gnomAD 0.00003; gnomAD exomes 0.00007 and 0.00012; ExAC 0.00012; 1000 Genomes Project 30x 0.00016; 1000 Genomes Project 0.00020.
gnomAD v4.1: 107 of 1,614,046 alleles (0.0066%); highest among the groups gnomAD compares: South Asian, 0.11%; 2 homozygotes.

Submissions (2):

PreventionGenetics, part of Exact Sciences
Classification: Likely benign for DPAGT1-related condition. Last evaluated: 2026-07-01. Review status: criteria provided, single submitter. Criteria: ACMG Guidelines, 2015. Collection method: clinical testing. Allele origin: germline.
Comment: This variant is classified as likely benign based on ACMG/AMP sequence variant interpretation guidelines (Richards et al. 2015 PMID: 25741868, with internal and published modifications).

Labcorp Genetics (formerly Invitae), Labcorp
Classification: Uncertain significance for Congenital myasthenic syndrome 13; DPAGT1-congenital disorder of glycosylation. Last evaluated: 2022-09-07. Review status: criteria provided, single submitter. Criteria: Invitae Variant Classification Sherloc (09022015). Collection method: clinical testing. Allele origin: germline.
Comment: This sequence change falls in intron 3 of the DPAGT1 gene. It does not directly change the encoded amino acid sequence of the DPAGT1 protein. It affects a nucleotide within the consensus splice site. This variant is present in population databases (rs565154071, gnomAD 0.1%), including at least one homozygous and/or hemizygous individual. This variant has not been reported in the literature in individuals affected with DPAGT1-related conditions. ClinVar contains an entry for this variant (Variation ID: 1435004). Variants that disrupt the consensus splice site are a relatively common cause of aberrant splicing (PMID: 17576681, 9536098). Algorithms developed to predict the effect of sequence changes on RNA splicing suggest that this variant may disrupt the consensus splice site. In summary, the available evidence is currently insufficient to determine the role of this variant in disease. Therefore, it has been classified as a Variant of Uncertain Significance.

Literature cited by the submitters: PubMed 17576681 (cited by Labcorp Genetics (formerly Invitae), Labcorp); PubMed 9536098 (cited by Labcorp Genetics (formerly Invitae), Labcorp).

NM_001382.4(DPAGT1):c.496+3A>G

Gene: DPAGT1 (dolichyl-phosphate N-acetylglucosaminephosphotransferase 1; minus strand). Cytogenetic location: 11q23.3.
Variant type: single nucleotide variant.
Coding change: c.496+3A>G on transcript NM_001382.4 (MANE Select); 3 bases into the intron after coding-DNA position 496, A replaced by G.
Molecular consequence: intron variant.
Genome position (GRCh38, 1-based): chr11:119,100,627, T>C on the plus strand (A>G on the coding strand, the complement: DPAGT1 is on the minus strand). VCF-style: chr11-119100627-T-C. GRCh37 (hg19) VCF-style: chr11-118971337-T-C.
Other names: c.496+3A>G (NM_001382.3).
Identifiers: ClinVar variation 1435004 (VCV001435004.4), dbSNP rs565154071, ClinGen allele CA6314623.